The following is an entry in ClinVar:

ClinVar aggregate classification (germline): Uncertain significance (1 of 4 stars; one submission).

Allele frequency attached by ClinVar (database versions not stated): gnomAD exomes below 0.00001.

Submission:

Labcorp Genetics (formerly Invitae), Labcorp
Classification: Uncertain significance. Last evaluated: 2022-08-07. Review status: criteria provided, single submitter. Criteria: Invitae Variant Classification Sherloc (09022015). Collection method: clinical testing. Allele origin: germline.
Comment: This variant has not been reported in the literature in individuals affected with SLC24A1-related conditions. This variant is not present in population databases (gnomAD no frequency). This sequence change replaces threonine, which is neutral and polar, with alanine, which is neutral and non-polar, at codon 204 of the SLC24A1 protein (p.Thr204Ala). Algorithms developed to predict the effect of missense changes on protein structure and function output the following: SIFT: "Deleterious"; PolyPhen-2: "Possibly Damaging"; Align-GVGD: "Class C0". The alanine amino acid residue is found in multiple mammalian species, which suggests that this missense change does not adversely affect protein function. In summary, the available evidence is currently insufficient to determine the role of this variant in disease. Therefore, it has been classified as a Variant of Uncertain Significance.

NM_004727.3(SLC24A1):c.610A>G (p.Thr204Ala)

Gene: SLC24A1 (solute carrier family 24 member 1; plus strand). Cytogenetic location: 15q22.31.
Variant type: single nucleotide variant.
Coding change: c.610A>G on transcript NM_004727.3 (MANE Select); coding-DNA position 610, A replaced by G.
Protein change: p.Thr204Ala; replaces threonine 204 with alanine.
Molecular consequence: missense variant.
Genome position (GRCh38, 1-based): chr15:65,624,690, A>G. VCF-style: chr15-65624690-A-G. GRCh37 (hg19) VCF-style: chr15-65917028-A-G.
Other names: c.610A>G, p.Thr204Ala (NM_001301031.1, NM_001301032.1, NM_001301033.2 and 1 more transcripts); short protein forms T204A.
Identifiers: ClinVar variation 1715615 (VCV001715615.5), dbSNP rs2548355679, ClinGen allele CA392914366.